The following is an entry in ClinVar:

NM_152564.5(VPS13B):c.2012A>G (p.Lys671Arg)

Gene: VPS13B (vacuolar protein sorting 13 homolog B; plus strand). Cytogenetic location: 8q22.2.
Variant type: single nucleotide variant.
Coding change: c.2012A>G on transcript NM_152564.5 (MANE Select); coding-DNA position 2012, A replaced by G.
Protein change: p.Lys671Arg; replaces lysine 671 with arginine.
Molecular consequence: missense variant.
Genome position (GRCh38, 1-based): chr8:99,148,009, A>G. VCF-style: chr8-99148009-A-G. GRCh37 (hg19) VCF-style: chr8-100160237-A-G.
Other names: c.2012A>G, p.Lys671Arg (NM_015243.3, NM_017890.5); short protein forms K671R.
Identifiers: ClinVar variation 1403652 (VCV001403652.7), dbSNP rs2132597258, ClinGen allele CA371864588.
Genomic context (GRCh38, chr8:99,148,009, plus strand): 5'-CAATTTCCATGGCTGAATTCAACTTGCTGGACCATTTACTACCTGTCATTATGGGAGAAA[A>G]GGTATATTTTGTGATTTGCTATATTTTTTTTCCCTCATATATGGATTTTTTTTTTTTTTT-3'
Protein context (NP_689777.3, residues 661-681): DHLLPVIMGE[Lys671Arg]NSSNFMNTTN

ClinVar aggregate classification (germline): Uncertain significance. Review status: criteria provided, multiple submitters, no conflicts (2 of 4 stars). 2 submissions from 2 submitters: Uncertain significance (2). Last evaluated 2025-10-09.

Conditions:
Cohen syndrome (COH1). Also called: PEPPER SYNDROME; Cutis verticis gyrata, retinitis pigmentosa, and sensorineural deafness. Identifiers: Orphanet 193, MedGen C0265223, MONDO:0008999, OMIM 216550.

Submissions (2):

Women's Health and Genetics/Laboratory Corporation of America, LabCorp
Classification: Uncertain significance. Last evaluated: 2025-10-09. Review status: criteria provided, single submitter. Criteria: LabCorp Variant Classification Summary - May 2015. Collection method: clinical testing. Allele origin: germline.
Comment: Variant summary: VPS13B c.2012A>G (p.Lys671Arg) results in a conservative amino acid change in the encoded protein sequence. Algorithms developed to predict the effect of missense changes on protein structure and function are either unavailable or do not agree on the potential impact of this missense change. Several computational tools predict a significant impact on normal splicing: Three predict the variant abolishes the canonical 5' splicing donor site. One predict the variant weakens the canonical 5' donor site. However, these predictions have yet to be confirmed by functional studies. The variant was absent in 251312 control chromosomes. The available data on variant occurrences in the general population are insufficient to allow any conclusion about variant significance. To our knowledge, no occurrence of c.2012A>G in individuals affected with VPS13B-related conditions and no experimental evidence demonstrating its impact on protein function have been reported. ClinVar contains an entry for this variant (Variation ID: 1403652). Based on the evidence outlined above, the variant was classified as uncertain significance.

Labcorp Genetics (formerly Invitae), Labcorp
Classification: Uncertain significance for Cohen syndrome. Last evaluated: 2022-08-09. Review status: criteria provided, single submitter. Criteria: Invitae Variant Classification Sherloc (09022015). Collection method: clinical testing. Allele origin: germline.
Comment: In summary, the available evidence is currently insufficient to determine the role of this variant in disease. Therefore, it has been classified as a Variant of Uncertain Significance. Algorithms developed to predict the effect of sequence changes on RNA splicing suggest that this variant may disrupt the consensus splice site. Algorithms developed to predict the effect of missense changes on protein structure and function are either unavailable or do not agree on the potential impact of this missense change (SIFT: "Not Available"; PolyPhen-2: "Possibly Damaging"; Align-GVGD: "Not Available"). ClinVar contains an entry for this variant (Variation ID: 1403652). This variant has not been reported in the literature in individuals affected with VPS13B-related conditions. This variant is not present in population databases (gnomAD no frequency). This sequence change replaces lysine, which is basic and polar, with arginine, which is basic and polar, at codon 671 of the VPS13B protein (p.Lys671Arg).